The following is an entry in ClinVar:

ClinVar aggregate classification (germline): Uncertain significance (1 of 4 stars; one submission).

Conditions:
Primary ciliary dyskinesia. Also called: Ciliary dyskinesia. Identifiers: Orphanet 244, MedGen C0008780, MONDO:0016575, HP:0012265.

Allele frequency attached by ClinVar (database versions not stated): ExAC 0.00001.
gnomAD v4.1: 1 of 1,614,124 alleles (0.000062%); highest among the groups gnomAD compares: South Asian, 0.0011%; no homozygotes.

Submission:

Labcorp Genetics (formerly Invitae), Labcorp
Classification: Uncertain significance for Primary ciliary dyskinesia. Last evaluated: 2023-06-15. Review status: criteria provided, single submitter. Criteria: Invitae Variant Classification Sherloc (09022015). Collection method: clinical testing. Allele origin: germline.
Comment: In summary, the available evidence is currently insufficient to determine the role of this variant in disease. Therefore, it has been classified as a Variant of Uncertain Significance. An algorithm developed to predict the effect of missense changes on protein structure and function (PolyPhen-2) suggests that this variant is likely to be tolerated. This variant has not been reported in the literature in individuals affected with DRC1-related conditions. This variant is present in population databases (rs777051751, gnomAD 0.003%). This sequence change replaces glutamine, which is neutral and polar, with lysine, which is basic and polar, at codon 456 of the DRC1 protein (p.Gln456Lys).

NM_145038.5(DRC1):c.1366C>A (p.Gln456Lys)

Gene: DRC1 (dynein regulatory complex subunit 1; plus strand). Cytogenetic location: 2p23.3.
Variant type: single nucleotide variant.
Coding change: c.1366C>A on transcript NM_145038.5 (MANE Select); coding-DNA position 1366, C replaced by A.
Protein change: p.Gln456Lys; replaces glutamine 456 with lysine.
Molecular consequence: missense variant.
Genome position (GRCh38, 1-based): chr2:26,444,918, C>A. VCF-style: chr2-26444918-C-A. GRCh37 (hg19) VCF-style: chr2-26667786-C-A.
Other names: short protein forms Q456K.
Identifiers: ClinVar variation 2975617 (VCV002975617.3), dbSNP rs777051751, ClinGen allele CA1562208.